The following is an entry in ClinVar:

ClinVar aggregate classification (germline): Conflicting classifications of pathogenicity. Review status: criteria provided, conflicting classifications (1 of 4 stars). 2 submissions from 2 submitters: Uncertain significance (1); Likely benign (1). Last evaluated 2025-09-22.

Allele frequency attached by ClinVar (database versions not stated): gnomAD 0.00009; 1000 Genomes Project 0.00040; 1000 Genomes Project 30x 0.00031; TOPMed 0.00012; ExAC 0.00029.
gnomAD v4.1: 238 of 1,613,632 alleles (0.015%); highest among the groups gnomAD compares: East Asian, 0.51%; 1 homozygote.

Submissions (2):

Labcorp Genetics (formerly Invitae), Labcorp
Classification: Likely benign. Last evaluated: 2025-09-22. Review status: criteria provided, single submitter. Criteria: Invitae Variant Classification Sherloc (09022015). Collection method: clinical testing. Allele origin: germline.

Mayo Clinic Laboratories, Mayo Clinic
Classification: Uncertain significance. Last evaluated: 2025-05-07. Review status: criteria provided, single submitter. Criteria: ACMG Guidelines, 2015. Collection method: clinical testing. Allele origin: germline. Observed: 1 variant allele.
Comment: BP4_moderate

NM_001321759.2(CDIN1):c.112G>C (p.Ala38Pro)

Gene: CDIN1 (CDAN1 interacting nuclease 1; plus strand). Cytogenetic location: 15q14.
Variant type: single nucleotide variant.
Coding change: c.112G>C on transcript NM_001321759.2 (MANE Select); coding-DNA position 112, G replaced by C.
Protein change: p.Ala38Pro; replaces alanine 38 with proline.
Molecular consequence: missense variant. On other transcripts: 5 prime UTR variant (3), intron variant (2).
Genome position (GRCh38, 1-based): chr15:36,644,288, G>C. VCF-style: chr15-36644288-G-C. GRCh37 (hg19) VCF-style: chr15-36936489-G-C.
Other names: p.Ala38Pro; c.112G>C, p.Ala38Pro (NM_001130010.3, NM_001290233.2, NM_001321760.2 and 1 more transcripts); c.-183G>C (NM_001290232.2, NM_032499.6); c.-292G>C (NM_001321757.2); c.-147-935G>C (NM_001321756.2); c.102-9810G>C (NM_001321758.2); short protein forms A38P.
Identifiers: ClinVar variation 1902444 (VCV001902444.6), dbSNP rs182159142, ClinGen allele CA7468730.